The following is an entry in ClinVar:

NM_001013838.3(CARMIL2):c.1334+17G>A

Gene: CARMIL2 (capping protein regulator and myosin 1 linker 2; plus strand). Cytogenetic location: 16q22.1.
Variant type: single nucleotide variant.
Coding change: c.1334+17G>A on transcript NM_001013838.3 (MANE Select); 17 bases into the intron after coding-DNA position 1334, G replaced by A.
Molecular consequence: intron variant.
Genome position (GRCh38, 1-based): chr16:67,648,331, G>A. VCF-style: chr16-67648331-G-A. GRCh37 (hg19) VCF-style: chr16-67682234-G-A.
Other names: c.1226+17G>A (NM_001317026.3).
Identifiers: ClinVar variation 1170258 (VCV001170258.14), dbSNP rs73597581, ClinGen allele CA8113404.

ClinVar aggregate classification (germline): Benign. Review status: criteria provided, multiple submitters, no conflicts (2 of 4 stars). 4 submissions from 4 submitters: Benign (4). Last evaluated 2026-02-04.

Allele frequency attached by ClinVar (database versions not stated): ESP Exome Variant Server 0.10916; gnomAD exomes 0.10982; 1000 Genomes Project 0.12240; 1000 Genomes Project 30x 0.12789; gnomAD 0.13046 and 0.13376; TOPMed 0.13174; ExAC 0.15589.
gnomAD v4.1: 160,307 of 1,573,484 alleles (10%); highest among the groups gnomAD compares: African/African-American, 19%; 9,025 homozygotes.

Submissions (4):

Labcorp Genetics (formerly Invitae), Labcorp
Classification: Benign. Last evaluated: 2026-02-04. Review status: criteria provided, single submitter. Criteria: Invitae Variant Classification Sherloc (09022015). Collection method: clinical testing. Allele origin: germline.

Blueprint Genetics
Classification: Benign. Last evaluated: 2024-11-27. Review status: criteria provided, single submitter. Criteria: ACMG Guidelines, 2015. Collection method: clinical testing. Allele origin: germline.

Unidad de Genómica Garrahan, Hospital de Pediatría Garrahan
Classification: Benign. Last evaluated: 2023-11-12. Review status: criteria provided, single submitter. Criteria: ACMG Guidelines, 2015. Collection method: clinical testing. Allele origin: germline. Affected: no. Observed: 21 variant alleles.
Comment: This variant is classified as Benign based on local population frequency. This variant was detected in 22% of patients studied by a panel of primary immunodeficiencies. Number of patients: 21. Only high quality variants are reported.

Breakthrough Genomics
Classification: Benign. Review status: criteria provided, single submitter. Criteria: ACMG Guidelines, 2015. Collection method: not provided. Allele origin: germline. Inheritance: Autosomal recessive inheritance. Affected: yes.